The following is an entry in ClinVar:

NM_016203.4(PRKAG2):c.376A>T (p.Ile126Phe)

Gene: PRKAG2 (protein kinase AMP-activated non-catalytic subunit gamma 2; minus strand). Cytogenetic location: 7q36.1.
Variant type: single nucleotide variant.
Coding change: c.376A>T on transcript NM_016203.4 (MANE Select); coding-DNA position 376, A replaced by T.
Protein change: p.Ile126Phe; replaces isoleucine 126 with phenylalanine.
Molecular consequence: missense variant. On other transcripts: intron variant (1).
Genome position (GRCh38, 1-based): chr7:151,781,242, T>A on the plus strand (A>T on the coding strand, the complement: PRKAG2 is on the minus strand). VCF-style: chr7-151781242-T-A. GRCh37 (hg19) VCF-style: chr7-151478328-T-A.
Other names: c.244A>T, p.Ile82Phe (NM_001040633.2, NM_001407024.1, NM_001407026.1 and 2 more transcripts); c.376A>T, p.Ile126Phe (NM_001407021.1, NM_001407022.1, NM_001407023.1 and 2 more transcripts); c.148+33174A>T (NM_001407032.1); short protein forms I126F, I82F.
Identifiers: ClinVar variation 5027283 (VCV005027283.1).
Genomic context (GRCh38, chr7:151,781,242, plus strand): 5'-CCCCGGGCGAGGTAGCAGGGTTGGAGTTGGGGGAAGACTCTTTGGAGGAGGAGCGGAAGA[T>A]CCCACTGAAGCTCATGCGTCGAGGGGAGCGTGGCGGGGACTCCTGGTAGGAGAACGGGAA-3'
Protein context (NP_057287.2, residues 116-136): RSPRRMSFSG[Ile126Phe]FRSSSKESSP

ClinVar aggregate classification (germline): Uncertain significance (1 of 4 stars; one submission).

Conditions:
Cardiovascular phenotype. Identifiers: MedGen CN230736.

Submission:

Ambry Genetics
Classification: Uncertain significance for Cardiovascular phenotype. Last evaluated: 2026-08-29. Review status: criteria provided, single submitter. Criteria: Ambry Variant Classification Scheme 2023. Collection method: clinical testing. Allele origin: germline.
Comment: The p.I126F variant (also known as c.376A>T), located in coding exon 3 of the PRKAG2 gene, results from an A to T substitution at nucleotide position 376. The isoleucine at codon 126 is replaced by phenylalanine, an amino acid with highly similar properties. This amino acid position is conserved. In addition, the in silico prediction for this alteration is inconclusive. Based on the available evidence, the clinical significance of this variant remains unclear.